The following is an entry in ClinVar:

ClinVar aggregate classification (germline): Uncertain significance (1 of 4 stars; one submission).

gnomAD v4.1: 4 of 1,610,402 alleles (0.00025%); highest among the groups gnomAD compares: Non-Finnish European, 0.00034%; no homozygotes.

Submissions (2):

Labcorp Genetics (formerly Invitae), Labcorp
Classification: Uncertain significance. Last evaluated: 2025-04-11. Review status: criteria provided, single submitter. Criteria: Invitae Variant Classification Sherloc (09022015). Collection method: clinical testing. Allele origin: germline.
Comment: This sequence change affects a donor splice site in intron 40 of the FN1 gene. It is expected to disrupt RNA splicing. Variants that disrupt the donor or acceptor splice site typically lead to a loss of protein function (PMID: 16199547), however the current clinical and genetic evidence is not sufficient to establish whether loss-of-function variants in FN1 cause disease. This variant is present in population databases (rs779071504, gnomAD 0.0009%). This variant has not been reported in the literature in individuals affected with FN1-related conditions. ClinVar contains an entry for this variant (Variation ID: 3720269). Experimental studies and prediction algorithms are not available or were not evaluated, and the functional significance of this variant is currently unknown. Algorithms developed to predict the effect of sequence changes on RNA splicing suggest that this variant may disrupt the consensus splice site. In summary, the available evidence is currently insufficient to determine the role of this variant in disease. Therefore, it has been classified as a Variant of Uncertain Significance.

Dr. Peter K. Rogan Lab, Western University
No classification provided (evidence only). Condition: Melanoma. Review status: no classification provided. Collection method: in vitro. Allele origin: not applicable. Functional consequence: skipped exon, retained intron. Not counted in ClinVar's aggregate classification.

Literature cited by the submitters: PubMed 16199547 (cited by Labcorp Genetics (formerly Invitae), Labcorp).

NM_212482.4(FN1):c.6714+1G>A

Gene: FN1 (fibronectin 1; minus strand). Cytogenetic location: 2q35.
Variant type: single nucleotide variant.
Coding change: c.6714+1G>A on transcript NM_212482.4 (MANE Select); the canonical splice donor site of the intron after coding-DNA position 6714, G replaced by A.
Molecular consequence: splice donor variant.
Genome position (GRCh38, 1-based): chr2:215,371,908, C>T on the plus strand (G>A on the coding strand, the complement: FN1 is on the minus strand). VCF-style: chr2-215371908-C-T. GRCh37 (hg19) VCF-style: chr2-216236631-C-T.
Other names: c.6276+1G>A (NM_001365522.2); c.6369+1G>A (NM_001365519.2); c.6351+1G>A (NM_001365521.2); c.6444+1G>A (NM_001365517.2); c.6621+1G>A (NM_001306129.2); c.6096+1G>A (NM_001365523.2); c.6078+1G>A (NM_001306131.2); c.6171+1G>A (NM_212476.3); and 8 more.
Identifiers: ClinVar variation 3720269 (VCV003720269.3).